The following is an entry in ClinVar:

NM_000465.4(BARD1):c.215+1G>A

Gene: BARD1 (BRCA1 associated RING domain 1; minus strand). Cytogenetic location: 2q35.
Variant type: single nucleotide variant.
Coding change: c.215+1G>A on transcript NM_000465.4 (MANE Select); the canonical splice donor site of the intron after coding-DNA position 215, G replaced by A.
Molecular consequence: splice donor variant. On other transcripts: intron variant (2).
Genome position (GRCh38, 1-based): chr2:214,797,060, C>T on the plus strand (G>A on the coding strand, the complement: BARD1 is on the minus strand). VCF-style: chr2-214797060-C-T. GRCh37 (hg19) VCF-style: chr2-215661784-C-T.
Other names: c.158+12352G>A (NM_001282548.2); c.159-4615G>A (NM_001282543.2); c.215+1G>A (NM_001282545.2, NM_001282549.2).
Identifiers: ClinVar variation 1068425 (VCV001068425.13), dbSNP rs2106145519, ClinGen allele CA350462115.

ClinVar aggregate classification (germline): Likely pathogenic. Review status: criteria provided, multiple submitters, no conflicts (2 of 4 stars). 2 submissions from 2 submitters: Likely pathogenic (2). Last evaluated 2022-11-23.

Conditions:
Hereditary cancer-predisposing syndrome. Also called: Hereditary neoplastic syndrome; Tumor predisposition; Hereditary Cancer Syndrome; Neoplastic Syndromes, Hereditary. Identifiers: Orphanet 140162, MedGen C0027672, MeSH D009386, MONDO:0015356.
Familial cancer of breast. Also called: hereditary breast carcinoma; BREAST CANCER, FAMILIAL; Hereditary breast cancer. Identifiers: Orphanet 227535, MedGen C0346153, MONDO:0016419, OMIM 114480. Disease mechanism: loss of function.

Submissions (2):

Ambry Genetics
Classification: Likely pathogenic for Hereditary cancer-predisposing syndrome. Last evaluated: 2022-11-23. Review status: criteria provided, single submitter. Criteria: Ambry Variant Classification Scheme 2023. Collection method: clinical testing. Allele origin: germline.
Comment: The c.215+1G>A intronic variant results from a G to A substitution one nucleotide after coding exon 2 of the BARD1 gene. Alterations that disrupt the canonical splice site are expected to result in aberrant splicing. In silico splice site analysis predicts that this alteration will weaken the native splice donor site. The resulting transcript is predicted to be in-frame and is not expected to trigger nonsense-mediated mRNAdecay; however, direct evidence is unavailable. The exact functional effect of the altered amino acid sequence is unknown; however the impacted region is critical for protein function (Ambry internal data). This variant was identified in a cohort of 4439 women with ovarian cancer undergoing multigene panel testing at one laboratory (Carter NJ et al. Gynecol Oncol, 2018 Dec;151:481-488). This variant is considered to be rare based on population cohorts in the Genome Aggregation Database (gnomAD). This nucleotide position is highly conserved in available vertebrate species. Based on the majority of available evidence to date, this variant is likely to be pathogenic.

Labcorp Genetics (formerly Invitae), Labcorp
Classification: Likely pathogenic for Familial cancer of breast. Last evaluated: 2020-12-04. Review status: criteria provided, single submitter. Criteria: Invitae Variant Classification Sherloc (09022015). Collection method: clinical testing. Allele origin: germline.
Comment: Donor and acceptor splice site variants typically lead to a loss of protein function (PMID: 16199547), and loss-of-function variants in BARD1 are known to be pathogenic (PMID: 20077502, 21344236). This variant has been observed in individual(s) with ovarian cancer (PMID: 30322717). This variant is not present in population databases (ExAC no frequency). This sequence change affects a donor splice site in intron 2 of the BARD1 gene. It is expected to disrupt RNA splicing and likely results in an absent or disrupted protein product. In summary, the currently available evidence indicates that the variant is pathogenic, but additional data are needed to prove that conclusively. Therefore, this variant has been classified as Likely Pathogenic.

Literature cited by the submitters: PubMed 30322717 (cited by Ambry Genetics and Labcorp Genetics (formerly Invitae), Labcorp); PubMed 16199547 (cited by Labcorp Genetics (formerly Invitae), Labcorp); PubMed 20077502 (cited by Labcorp Genetics (formerly Invitae), Labcorp); PubMed 21344236 (cited by Labcorp Genetics (formerly Invitae), Labcorp).